The following is an entry in ClinVar:

ClinVar aggregate classification (germline): Uncertain significance (1 of 4 stars; one submission).

Conditions:
Inborn genetic diseases. Identifiers: MedGen C0950123, MeSH D030342.

Submission:

Ambry Genetics
Classification: Uncertain significance for Inborn genetic diseases. Last evaluated: 2025-07-05. Review status: criteria provided, single submitter. Criteria: Ambry Variant Classification Scheme 2023. Collection method: clinical testing. Allele origin: germline.
Comment: The p.S726T variant (also known as c.2176T>A), located in coding exon 8 of the MECOM gene, results from a T to A substitution at nucleotide position 2176. The serine at codon 726 is replaced by threonine, an amino acid with similar properties. This amino acid position is conserved. In addition, this alteration is predicted to be tolerated by in silico analysis. Based on the available evidence, the clinical significance of this variant remains unclear.

NM_004991.4(MECOM):c.2176T>A (p.Ser726Thr)

Gene: MECOM (MDS1 and EVI1 complex locus; minus strand). Cytogenetic location: 3q26.2.
Variant type: single nucleotide variant.
Coding change: c.2176T>A on transcript NM_004991.4 (MANE Select); coding-DNA position 2176, T replaced by A.
Protein change: p.Ser726Thr; replaces serine 726 with threonine.
Molecular consequence: missense variant.
Genome position (GRCh38, 1-based): chr3:169,115,696, A>T on the plus strand (T>A on the coding strand, the complement: MECOM is on the minus strand). VCF-style: chr3-169115696-A-T. GRCh37 (hg19) VCF-style: chr3-168833484-A-T.
Other names: c.1615T>A, p.Ser539Thr (NM_001366468.2, NM_001366470.2, NM_001163999.2 and 1 more transcripts); c.1612T>A, p.Ser538Thr (NM_001366469.2, NM_001366471.2, NM_001366472.2 and 4 more transcripts); c.1204T>A, p.Ser402Thr (NM_001366473.2); c.640T>A, p.Ser214Thr (NM_001366474.2); c.1807T>A, p.Ser603Thr (NM_001105077.4); c.2176T>A, p.Ser726Thr (NM_001366466.2); short protein forms S214T, S539T, S726T, S538T, S402T, S603T.
Identifiers: ClinVar variation 4105753 (VCV004105753.1).
Genomic context (GRCh38, chr3:169,115,696, plus strand): 5'-TGGTGAGATCAAAGGGGGACTCAGAGCTGCCCTTCTGCAGTTTCTTTACTTCACCTGGTG[A>T]TTGGGGTTCCATTTTCAAAGGTAACGATCTCAAGTCTCTATCAGGAAATGGGTACATTGA-3'
Protein context (NP_004982.2, residues 716-736): RSLPLKMEPQ[Ser726Thr]PGEVKKLQKG